The following is an entry in ClinVar:

NM_004852.3(ONECUT2):c.141C>G (p.Gly47=)

Gene: ONECUT2 (one cut homeobox 2; plus strand). Cytogenetic location: 18q21.31.
Variant type: single nucleotide variant.
Coding change: c.141C>G on transcript NM_004852.3 (MANE Select); coding-DNA position 141, C replaced by G.
Protein change: p.Gly47=; no amino-acid change (glycine 47 retained).
Molecular consequence: synonymous variant.
Genome position (GRCh38, 1-based): chr18:57,435,857, C>G. VCF-style: chr18-57435857-C-G. GRCh37 (hg19) VCF-style: chr18-55103089-C-G.
Identifiers: ClinVar variation 3898191 (VCV003898191.7).

ClinVar aggregate classification (germline): Likely benign (1 of 4 stars; one submission).

Submission:

CeGaT Center for Human Genetics Tuebingen
Classification: Likely benign. Last evaluated: 2025-04-01. Review status: criteria provided, single submitter. Criteria: CeGaT Center For Human Genetics Tuebingen Variant Classification Criteria Version 2. Collection method: clinical testing. Allele origin: germline. Affected: yes. Observed: 1 variant allele.
Comment: ONECUT2: BP4, BP7